The following is an entry in ClinVar:

ClinVar aggregate classification (germline): Uncertain significance (1 of 4 stars; one submission).

Conditions:
Gastrointestinal stromal tumor. Also called: Gastrointestinal stroma tumor; Gastrointestinal stromal tumor, somatic. Identifiers: Orphanet 44890, MedGen C0238198, MeSH D046152, MONDO:0011719, OMIM 606764, HP:0100723.

Submission:

Labcorp Genetics (formerly Invitae), Labcorp
Classification: Uncertain significance for Gastrointestinal stromal tumor. Last evaluated: 2022-02-11. Review status: criteria provided, single submitter. Criteria: Invitae Variant Classification Sherloc (09022015). Collection method: clinical testing. Allele origin: germline.
Comment: In summary, the available evidence is currently insufficient to determine the role of this variant in disease. Therefore, it has been classified as a Variant of Uncertain Significance. Algorithms developed to predict the effect of missense changes on protein structure and function are either unavailable or do not agree on the potential impact of this missense change (SIFT: "Deleterious"; PolyPhen-2: "Probably Damaging"; Align-GVGD: "Class C0"). This variant has not been reported in the literature in individuals affected with PDGFRA-related conditions. This variant is not present in population databases (gnomAD no frequency). This sequence change replaces glutamic acid, which is acidic and polar, with valine, which is neutral and non-polar, at codon 996 of the PDGFRA protein (p.Glu996Val).

NM_006206.6(PDGFRA):c.2987A>T (p.Glu996Val)

Gene: PDGFRA (platelet derived growth factor receptor alpha; plus strand). Cytogenetic location: 4q12.
Variant type: single nucleotide variant.
Coding change: c.2987A>T on transcript NM_006206.6 (MANE Select); coding-DNA position 2987, A replaced by T.
Protein change: p.Glu996Val; replaces glutamic acid 996 with valine.
Molecular consequence: missense variant.
Genome position (GRCh38, 1-based): chr4:54,290,419, A>T. VCF-style: chr4-54290419-A-T. GRCh37 (hg19) VCF-style: chr4-55156586-A-T.
Other names: c.3062A>T, p.Glu1021Val (NM_001347828.2); c.2987A>T, p.Glu996Val (NM_001347829.2); c.3026A>T, p.Glu1009Val (NM_001347830.2); short protein forms E1021V, E1009V, E996V.
Identifiers: ClinVar variation 2096826 (VCV002096826.4), dbSNP rs2475565650, ClinGen allele CA356896132.